The following is an entry in ClinVar:

NM_194454.3(KRIT1):c.1702_1703del (p.Glu567_Ser568insTer)

Gene: KRIT1 (KRIT1 ankyrin repeat containing; minus strand). Cytogenetic location: 7q21.2.
Variant type: Microsatellite.
Coding change: c.1702_1703del on transcript NM_194454.3 (MANE Select); coding-DNA positions 1702 to 1703, 2 bases deleted (AG; older notation c.1702_1703delAG).
Protein change: p.Glu567_Ser568insTer.
Molecular consequence: nonsense.
Genome position (GRCh38, 1-based): chr7:92,214,638-92,214,639, CT deleted on the plus strand (AG on the coding strand, the reverse complement: KRIT1 is on the minus strand); deleting any 2 consecutive bases within chr7:92,214,638-92,214,642 gives the same sequence; the c. name uses the placement nearest the transcript's 3' end. VCF-style (leftmost placement, unchanged base first): chr7-92214637-ACT-A. GRCh37 (hg19) VCF-style: chr7-91843951-ACT-A.
Other names: c.1702_1703delAG (NM_194456.1); c.1558_1559del, p.Glu519_Ser520insTer (NM_001013406.2, NM_001350669.1, NM_001350670.1); c.988_989del, p.Glu329_Ser330insTer (NM_001350671.1); c.1702_1703del, p.Glu567_Ser568insTer (NM_001350672.1, NM_001350673.1, NM_001350674.1 and 26 more transcripts).
Identifiers: ClinVar variation 468212 (VCV000468212.10), dbSNP rs1554504484, ClinGen allele CA658657683.

ClinVar aggregate classification (germline): Pathogenic. Review status: criteria provided, multiple submitters, no conflicts (2 of 4 stars). 3 submissions from 3 submitters: Pathogenic (3). Last evaluated 2025-06-11.

Conditions:
Cerebral cavernous malformation (CCM). Also called: CAVERNOUS ANGIOMA, FAMILIAL; CAVERNOUS ANGIOMATOUS MALFORMATIONS; CEREBRAL CAPILLARY MALFORMATIONS; Cerebral cavernous malformations; Cavernous Hemangioma of Brain; Cerebral cavernous hemangioma (type). Identifiers: Orphanet 221061, MedGen C2919945, MONDO:0000820, OMIM 116860, HP:0033522.

Submissions (3):

Labcorp Genetics (formerly Invitae), Labcorp
Classification: Pathogenic for Cerebral cavernous malformation. Last evaluated: 2025-06-11. Review status: criteria provided, single submitter. Criteria: Invitae Variant Classification Sherloc (09022015). Collection method: clinical testing. Allele origin: germline.
Comment: This sequence change creates a premature translational stop signal (p.Ser568*) in the KRIT1 gene. It is expected to result in an absent or disrupted protein product. Loss-of-function variants in KRIT1 are known to be pathogenic (PMID: 10508515, 11222804, 12404106, 24689081). This variant is not present in population databases (gnomAD no frequency). This premature translational stop signal has been observed in individual(s) with cerebral cavernous malformation (PMID: 12854741). This variant is also known as c.2433delGA. ClinVar contains an entry for this variant (Variation ID: 468212). For these reasons, this variant has been classified as Pathogenic.

GeneDx
Classification: Pathogenic. Last evaluated: 2024-11-25. Review status: criteria provided, single submitter. Criteria: GeneDx Variant Classification Process June 2021. Collection method: clinical testing. Allele origin: germline. Affected: yes.
Comment: Nonsense variant predicted to result in protein truncation or nonsense mediated decay in a gene for which loss of function is a known mechanism of disease; Not observed at significant frequency in large population cohorts (gnomAD); This variant is associated with the following publications: (PMID: 12854741)

PreventionGenetics, part of Exact Sciences
Classification: Pathogenic. Last evaluated: 2017-07-10. Review status: criteria provided, single submitter. Criteria: ACMG Guidelines, 2015. Collection method: clinical testing. Allele origin: germline.

Literature cited by the submitters: PubMed 10508515 (cited by Labcorp Genetics (formerly Invitae), Labcorp); PubMed 11222804 (cited by Labcorp Genetics (formerly Invitae), Labcorp); PubMed 12404106 (cited by Labcorp Genetics (formerly Invitae), Labcorp); PubMed 24689081 (cited by Labcorp Genetics (formerly Invitae), Labcorp); PubMed 12854741 (cited by Labcorp Genetics (formerly Invitae), Labcorp).